The following is an entry in ClinVar:

NM_001005242.3(PKP2):c.2300G>A (p.Arg767His)

Gene: PKP2 (plakophilin 2; minus strand). Cytogenetic location: 12p11.21.
Variant type: single nucleotide variant.
Coding change: c.2300G>A on transcript NM_001005242.3 (MANE Select); coding-DNA position 2300, G replaced by A.
Protein change: p.Arg767His; replaces arginine 767 with histidine.
Molecular consequence: missense variant.
Genome position (GRCh38, 1-based): chr12:32,796,166, C>T on the plus strand (G>A on the coding strand, the complement: PKP2 is on the minus strand). VCF-style: chr12-32796166-C-T. GRCh37 (hg19) VCF-style: chr12-32949100-C-T.
Other names: c.2432G>A, p.Arg811His (NM_004572.4); short protein forms R767H, R811H.
Identifiers: ClinVar variation 933320 (VCV000933320.10), dbSNP rs533884071, ClinGen allele CA035143.

ClinVar aggregate classification (germline): Uncertain significance. Review status: criteria provided, multiple submitters, no conflicts (2 of 4 stars). 3 submissions from 3 submitters: Uncertain significance (3). Last evaluated 2025-10-15.

Conditions:
Cardiovascular phenotype. Identifiers: MedGen CN230736.
Arrhythmogenic right ventricular dysplasia 9 (ARVD9). Also called: Arrhythmogenic Right Ventricular Dysplasia/Cardiomyopathy 9; ARRHYTHMOGENIC RIGHT VENTRICULAR DYSPLASIA, FAMILIAL, 9. Identifiers: MedGen C1836906, MONDO:0012180, OMIM 609040.
Cardiomyopathy (CMYO). Also called: Cardiomyopathies. Identifiers: Orphanet 167848, MedGen C0878544, MONDO:0004994, HP:0001638. Inheritance: Various modes of inheritance.

Allele frequency attached by ClinVar (database versions not stated): gnomAD 0.00001 and 0.00002; ExAC 0.00002; gnomAD exomes 0.00002; 1000 Genomes Project 30x 0.00016; 1000 Genomes Project 0.00020.

Submissions (3):

Ambry Genetics
Classification: Uncertain significance for Cardiovascular phenotype. Last evaluated: 2025-10-15. Review status: criteria provided, single submitter. Criteria: Ambry Variant Classification Scheme 2023. Collection method: clinical testing. Allele origin: germline.
Comment: The p.R811H variant (also known as c.2432G>A), located in coding exon 12 of the PKP2 gene, results from a G to A substitution at nucleotide position 2432. The arginine at codon 811 is replaced by histidine, an amino acid with highly similar properties. This variant was reported in individual(s) with features consistent with dilated cardiomyopathy (DCM) (Mazzarotto F et al. Circulation, 2020 Feb;141:387-398). This amino acid position is highly conserved in available vertebrate species. In addition, this alteration is predicted to be tolerated by in silico analysis. Based on the available evidence, the clinical significance of this variant remains unclear.

Labcorp Genetics (formerly Invitae), Labcorp
Classification: Uncertain significance for Arrhythmogenic right ventricular dysplasia 9. Last evaluated: 2025-06-04. Review status: criteria provided, single submitter. Criteria: Invitae Variant Classification Sherloc (09022015). Collection method: clinical testing. Allele origin: germline.
Comment: This sequence change replaces arginine, which is basic and polar, with histidine, which is basic and polar, at codon 811 of the PKP2 protein (p.Arg811His). This variant is present in population databases (rs533884071, gnomAD 0.01%). This missense change has been observed in individual(s) with clinical features of dilated cardiomyopathy (PMID: 31983221). ClinVar contains an entry for this variant (Variation ID: 933320). An algorithm developed to predict the effect of missense changes on protein structure and function (PolyPhen-2) suggests that this variant is likely to be disruptive. In summary, the available evidence is currently insufficient to determine the role of this variant in disease. Therefore, it has been classified as a Variant of Uncertain Significance.

Color Diagnostics, LLC DBA Color Health
Classification: Uncertain significance for Cardiomyopathy. Last evaluated: 2025-01-14. Review status: criteria provided, single submitter. Criteria: ACMG Guidelines, 2015. Collection method: clinical testing. Allele origin: germline.
Comment: This missense variant replaces arginine with histidine at codon 811 of the PKP2 protein. Computational prediction suggests that this variant may not impact protein structure and function. To our knowledge, functional studies have not been reported for this variant. This variant has been reported in one individual affected with dilated cardiomyopathy (PMID: 31983221). This variant has been identified in 6/282848 chromosomes in the general population by the Genome Aggregation Database (gnomAD). The available evidence is insufficient to determine the role of this variant in disease conclusively. Therefore, this variant is classified as a Variant of Uncertain Significance.

Literature cited by the submitters: PubMed 31983221 (cited by 3 submitters).